The following is an entry in ClinVar:

NM_001330311.2(DVL1):c.986+6G>A

Gene: DVL1 (dishevelled segment polarity protein 1; minus strand). Cytogenetic location: 1p36.33.
Variant type: single nucleotide variant.
Coding change: c.986+6G>A on transcript NM_001330311.2 (MANE Select); 6 bases into the intron after coding-DNA position 986, G replaced by A.
Molecular consequence: intron variant.
Genome position (GRCh38, 1-based): chr1:1,339,730, C>T on the plus strand (G>A on the coding strand, the complement: DVL1 is on the minus strand). VCF-style: chr1-1339730-C-T. GRCh37 (hg19) VCF-style: chr1-1275110-C-T.
Other names: c.986+6G>A (NM_004421.3).
Identifiers: ClinVar variation 3626611 (VCV003626611.2).
Genomic context (GRCh38, chr1:1,339,730, plus strand): 5'-CAGCAAGGCCCCCATGGTCCCACCTCCCTGCCTGGCCCCTCCCGCTCCAGCGCCCCCAGC[C>T]CTCACCCCGTCTGGGAAACGATCTCCCGCAGCACCCGCACGGCATCGTCATTGCTCATGT-3'

ClinVar aggregate classification (germline): Uncertain significance (1 of 4 stars; one submission).

Submission:

Labcorp Genetics (formerly Invitae), Labcorp
Classification: Uncertain significance. Last evaluated: 2024-07-03. Review status: criteria provided, single submitter. Criteria: Invitae Variant Classification Sherloc (09022015). Collection method: clinical testing. Allele origin: germline.
Comment: This sequence change falls in intron 9 of the DVL1 gene. It does not directly change the encoded amino acid sequence of the DVL1 protein. It affects a nucleotide within the consensus splice site. This variant is present in population databases (rs199935947, gnomAD 0.004%). This variant has not been reported in the literature in individuals affected with DVL1-related conditions. Variants that disrupt the consensus splice site are a relatively common cause of aberrant splicing (PMID: 17576681, 9536098). Algorithms developed to predict the effect of sequence changes on RNA splicing suggest that this variant is not likely to affect RNA splicing. In summary, the available evidence is currently insufficient to determine the role of this variant in disease. Therefore, it has been classified as a Variant of Uncertain Significance.

Literature cited by the submitters: PubMed 17576681; PubMed 9536098.